The following is an entry in ClinVar:

NM_001128225.3(SLC39A13):c.140G>A (p.Arg47His)

Gene: SLC39A13 (solute carrier family 39 member 13; plus strand). Cytogenetic location: 11p11.2.
Variant type: single nucleotide variant.
Coding change: c.140G>A on transcript NM_001128225.3 (MANE Select); coding-DNA position 140, G replaced by A.
Protein change: p.Arg47His; replaces arginine 47 with histidine.
Molecular consequence: missense variant. On other transcripts: non-coding transcript variant (1).
Genome position (GRCh38, 1-based): chr11:47,410,234, G>A. VCF-style: chr11-47410234-G-A. GRCh37 (hg19) VCF-style: chr11-47431785-G-A.
Other names: c.140G>A, p.Arg47His (NM_001330245.2, NM_152264.5); short protein forms R47H.
Identifiers: ClinVar variation 1163521 (VCV001163521.10), dbSNP rs754538699, ClinGen allele CA380309081.

ClinVar aggregate classification (germline): Uncertain significance. Review status: criteria provided, multiple submitters, no conflicts (2 of 4 stars). 2 submissions from 2 submitters: Uncertain significance (2). Last evaluated 2021-09-19.

Conditions:
Ehlers-Danlos syndrome, spondylodysplastic type, 3. Also called: Ehlers-Danlos syndrome, spondylocheirodysplastic type. Identifiers: Orphanet 157965, MedGen C2676510, MONDO:0012873, OMIM 612350.

Allele frequency attached by ClinVar (database versions not stated): gnomAD 0.00001; TOPMed 0.00001.

Submissions (2):

Labcorp Genetics (formerly Invitae), Labcorp
Classification: Uncertain significance for Ehlers-Danlos syndrome, spondylodysplastic type, 3. Last evaluated: 2021-09-19. Review status: criteria provided, single submitter. Criteria: Invitae Variant Classification Sherloc (09022015). Collection method: clinical testing. Allele origin: germline.
Comment: In summary, the available evidence is currently insufficient to determine the role of this variant in disease. Therefore, it has been classified as a Variant of Uncertain Significance. Algorithms developed to predict the effect of missense changes on protein structure and function are either unavailable or do not agree on the potential impact of this missense change (SIFT: "Tolerated"; PolyPhen-2: "Probably Damaging"; Align-GVGD: "Class C0"). This sequence change replaces arginine with histidine at codon 47 of the SLC39A13 protein (p.Arg47His). The arginine residue is weakly conserved and there is a small physicochemical difference between arginine and histidine. This variant is not present in population databases (ExAC no frequency). This variant has not been reported in the literature in individuals affected with SLC39A13-related conditions. ClinVar contains an entry for this variant (Variation ID: 1163521).

Mayo Clinic Laboratories, Mayo Clinic
Classification: Uncertain significance. Last evaluated: 2020-03-11. Review status: criteria provided, single submitter. Criteria: ACMG Guidelines, 2015. Collection method: clinical testing. Allele origin: germline. Observed: 1 variant allele.